The following is an entry in ClinVar:

NM_020822.3(KCNT1):c.1510+15_1510+199del

Gene: KCNT1 (potassium sodium-activated channel subfamily T member 1; plus strand). Cytogenetic location: 9q34.3.
Variant type: Deletion.
Coding change: c.1510+15_1510+199del on transcript NM_020822.3 (MANE Select); bases 15 to 199 of the intron after coding-DNA position 1510, 185 bases deleted.
Molecular consequence: splice donor variant.
Genome position (GRCh38, 1-based): chr9:135,768,952-135,769,136, 185 bases deleted. GRCh37 (hg19): chr9:138,660,798-138,660,982.
Other names: c.1375+15_1375+199del (NM_001272003.2).
Identifiers: ClinVar variation 4785749 (VCV004785749.1).

ClinVar aggregate classification (germline): Uncertain significance (1 of 4 stars; one submission).

Conditions:
Autosomal dominant nocturnal frontal lobe epilepsy 5. Also called: CILIARY DYSKINESIA, PRIMARY, 28, WITHOUT SITUS INVERSUS; CILIARY DYSKINESIA, PRIMARY, 28, WITH SITUS INVERSUS; KCNT1-Related Epilepsy; Epilepsy, nocturnal frontal lobe, 5. Identifiers: Orphanet 98784, MedGen C3554306, MONDO:0014002, OMIM 615005.
Developmental and epileptic encephalopathy, 14 (DEE14). Also called: Early infantile epileptic encephalopathy 14. Identifiers: Orphanet 293181, MedGen C3554195, MONDO:0013989, OMIM 614959.

Submission:

Labcorp Genetics (formerly Invitae), Labcorp
Classification: Uncertain significance for Autosomal dominant nocturnal frontal lobe epilepsy 5; Developmental and epileptic encephalopathy, 14. Last evaluated: 2025-07-31. Review status: criteria provided, single submitter. Criteria: Invitae Variant Classification Sherloc (09022015). Collection method: clinical testing. Allele origin: germline.
Comment: This sequence change falls in intron 15 of the KCNT1 gene. It does not directly change the encoded amino acid sequence of the KCNT1 protein. This variant is not present in population databases (gnomAD no frequency). This variant has not been reported in the literature in individuals affected with KCNT1-related conditions. Experimental studies and prediction algorithms are not available or were not evaluated, and the effect of this variant on mRNA splicing is currently unknown. In summary, the available evidence is currently insufficient to determine the role of this variant in disease. Therefore, it has been classified as a Variant of Uncertain Significance.